The following is an entry in ClinVar:

ClinVar aggregate classification (germline): Uncertain significance (1 of 4 stars; one submission).

Conditions:
Inborn genetic diseases. Identifiers: MedGen C0950123, MeSH D030342.

gnomAD v4.1: 2 of 1,613,890 alleles (0.00012%); highest among the groups gnomAD compares: Non-Finnish European, 0.00017%; no homozygotes.

Submission:

Ambry Genetics
Classification: Uncertain significance for Inborn genetic diseases. Last evaluated: 2024-12-09. Review status: criteria provided, single submitter. Criteria: Ambry Variant Classification Scheme 2023. Collection method: clinical testing. Allele origin: germline.
Comment: The p.D1498H variant (also known as c.4492G>C), located in coding exon 1 of the SAMD9L gene, results from a G to C substitution at nucleotide position 4492. The aspartic acid at codon 1498 is replaced by histidine, an amino acid with similar properties. This amino acid position is conserved. In addition, this alteration is predicted to be tolerated by in silico analysis. Based on the available evidence, the clinical significance of this variant remains unclear.

NM_152703.5(SAMD9L):c.4492G>C (p.Asp1498His)

Gene: SAMD9L (sterile alpha motif domain containing 9 like; minus strand). Cytogenetic location: 7q21.2.
Variant type: single nucleotide variant.
Coding change: c.4492G>C on transcript NM_152703.5 (MANE Select); coding-DNA position 4492, G replaced by C.
Protein change: p.Asp1498His; replaces aspartic acid 1498 with histidine.
Molecular consequence: missense variant.
Genome position (GRCh38, 1-based): chr7:93,131,480, C>G on the plus strand (G>C on the coding strand, the complement: SAMD9L is on the minus strand). VCF-style: chr7-93131480-C-G. GRCh37 (hg19) VCF-style: chr7-92760793-C-G.
Other names: c.4492G>C, p.Asp1498His (NM_001303496.3, NM_001303497.3, NM_001303498.3 and 5 more transcripts); short protein forms D1498H.
Identifiers: ClinVar variation 3437247 (VCV003437247.1).
Genomic context (GRCh38, chr7:93,131,480, plus strand): 5'-CTTCATTTTTTTTCCACACATCCCCACTGTGCCAGAGGGAATTTGTATTTTGTGCTTTAT[C>G]AAAGTACTGCTCTATTTTGGCCTTGTGAACAATACTGTTTAGACCCTTCCTTTTGCCCAG-3'
Protein context (NP_689916.2, residues 1488-1508): VHKAKIEQYF[Asp1498His]KAQNTNSLWH